The following is an entry in ClinVar:

ClinVar aggregate classification (germline): Uncertain significance (1 of 4 stars; one submission).

Conditions:
Perlman syndrome (PRLMNS). Identifiers: Orphanet 2849, MedGen C0796113, MONDO:0009965, OMIM 267000.

Allele frequency attached by ClinVar (database versions not stated): gnomAD exomes below 0.00001; ExAC 0.00001.

Submission:

Labcorp Genetics (formerly Invitae), Labcorp
Classification: Uncertain significance for Perlman syndrome. Last evaluated: 2025-04-07. Review status: criteria provided, single submitter. Criteria: Invitae Variant Classification Sherloc (09022015). Collection method: clinical testing. Allele origin: germline.
Comment: This sequence change replaces arginine, which is basic and polar, with glutamine, which is neutral and polar, at codon 43 of the DIS3L2 protein (p.Arg43Gln). This variant is not present in population databases (gnomAD no frequency). This variant has not been reported in the literature in individuals affected with DIS3L2-related conditions. ClinVar contains an entry for this variant (Variation ID: 531935). An algorithm developed to predict the effect of missense changes on protein structure and function outputs the following: PolyPhen-2: "Benign". The glutamine amino acid residue is found in multiple mammalian species, which suggests that this missense change does not adversely affect protein function. In summary, the available evidence is currently insufficient to determine the role of this variant in disease. Therefore, it has been classified as a Variant of Uncertain Significance.

NM_152383.5(DIS3L2):c.128G>A (p.Arg43Gln)

Gene: DIS3L2 (DIS3 like 3'-5' exoribonuclease 2; plus strand). Cytogenetic location: 2q37.1.
Variant type: single nucleotide variant.
Coding change: c.128G>A on transcript NM_152383.5 (MANE Select); coding-DNA position 128, G replaced by A.
Protein change: p.Arg43Gln; replaces arginine 43 with glutamine.
Molecular consequence: missense variant. On other transcripts: non-coding transcript variant (2).
Genome position (GRCh38, 1-based): chr2:232,015,589, G>A. VCF-style: chr2-232015589-G-A. GRCh37 (hg19) VCF-style: chr2-232880299-G-A.
Other names: c.128G>A, p.Arg43Gln (NM_001257281.2, NM_001257282.2); short protein forms R43Q.
Identifiers: ClinVar variation 531935 (VCV000531935.6), dbSNP rs767837521, ClinGen allele CA2163727.